The following is an entry in ClinVar:

NM_001458.5(FLNC):c.4581-5T>A

Gene: FLNC (filamin C; plus strand). Cytogenetic location: 7q32.1.
Variant type: single nucleotide variant.
Coding change: c.4581-5T>A on transcript NM_001458.5 (MANE Select); 5 bases into the intron before coding-DNA position 4581, T replaced by A.
Molecular consequence: intron variant.
Genome position (GRCh38, 1-based): chr7:128,848,556, T>A. VCF-style: chr7-128848556-T-A. GRCh37 (hg19) VCF-style: chr7-128488610-T-A.
Other names: c.4581-5T>A (NM_001127487.2).
Identifiers: ClinVar variation 472071 (VCV000472071.55), dbSNP rs368660628, ClinGen allele CA4475396.
Genomic context (GRCh38, chr7:128,848,556, plus strand): 5'-GAGATCACCCCCCACCGCCCCGTCCATGCCACCCAGCCAACTGTTTATCCCTTCTGCTCC[T>A]CAAGCCCCTTCAAGATCAAGGTCCTCCCAGCTCATGATGCCAGCAAGGTGCGGGCCAGCG-3'

ClinVar aggregate classification (germline): Benign/Likely benign. Review status: criteria provided, multiple submitters, no conflicts (2 of 4 stars). 13 submissions from 13 submitters: Benign (7); Likely benign (3). 3 of the submissions do not count toward it. Last evaluated 2026-02-03.

Conditions:
Hypertrophic cardiomyopathy 26. Also called: Cardiomyopathy, familial hypertrophic, 26. Identifiers: Orphanet 75249, MedGen C4310749, MONDO:0014883, OMIM 617047.
Myofibrillar myopathy 5. Also called: Filaminopathy (type); FILAMINOPATHY, AUTOSOMAL DOMINANT. Identifiers: Orphanet 171445, MedGen C1836050, MONDO:0012289, OMIM 609524.
Distal myopathy with posterior leg and anterior hand involvement. Also called: WILLIAMS DISTAL MYOPATHY. Identifiers: Orphanet 63273, MedGen C3279722, MONDO:0013550, OMIM 614065.
FLNC-related disorder. Also called: FLNC-related condition; FLNC-related disorders.
Cardiovascular phenotype. Identifiers: MedGen CN230736.

Allele frequency attached by ClinVar (database versions not stated): gnomAD exomes 0.00009 and 0.00027; ExAC 0.00033; 1000 Genomes Project 0.00040; 1000 Genomes Project 30x 0.00047; gnomAD 0.00103 and 0.00111; TOPMed 0.00118; ESP Exome Variant Server 0.00136.
gnomAD v4.1: 304 of 1,613,802 alleles (0.019%); highest among the groups gnomAD compares: African/African-American, 0.33%; no homozygotes.

Submissions (13):

Labcorp Genetics (formerly Invitae), Labcorp
Classification: Benign for Distal myopathy with posterior leg and anterior hand involvement; Myofibrillar myopathy 5; Hypertrophic cardiomyopathy 26. Last evaluated: 2026-02-03. Review status: criteria provided, single submitter. Criteria: Invitae Variant Classification Sherloc (09022015). Collection method: clinical testing. Allele origin: germline.

Molecular Diagnostic Laboratory for Inherited Cardiovascular Disease, Montreal Heart Institute
Classification: Benign. Last evaluated: 2025-04-09. Review status: criteria provided, single submitter. Criteria: ACMG Guidelines, 2015. Collection method: clinical testing. Allele origin: germline. Affected: no.

CeGaT Center for Human Genetics Tuebingen
Classification: Benign. Last evaluated: 2024-07-01. Review status: criteria provided, single submitter. Criteria: CeGaT Center For Human Genetics Tuebingen Variant Classification Criteria Version 2. Collection method: clinical testing. Allele origin: germline. Affected: yes. Observed: 2 variant alleles.
Comment: FLNC: BS1, BS2

Women's Health and Genetics/Laboratory Corporation of America, LabCorp
Classification: Benign. Last evaluated: 2024-06-17. Review status: criteria provided, single submitter. Criteria: LabCorp Variant Classification Summary - May 2015. Collection method: clinical testing. Allele origin: germline.

Blueprint Genetics
Classification: Likely benign. Last evaluated: 2024-02-20. Review status: criteria provided, single submitter. Criteria: ACMG Guidelines, 2015. Collection method: clinical testing. Allele origin: germline.

ARUP Laboratories, Molecular Genetics and Genomics, ARUP Laboratories
Classification: Benign. Last evaluated: 2023-10-10. Review status: criteria provided, single submitter. Criteria: ARUP Molecular Germline Variant Investigation Process 2024. Collection method: clinical testing. Allele origin: germline.

Fulgent Genetics
Classification: Likely benign for Myofibrillar myopathy 5; Distal myopathy with posterior leg and anterior hand involvement; Hypertrophic cardiomyopathy 26. Last evaluated: 2021-08-03. Review status: criteria provided, single submitter. Criteria: ACMG Guidelines, 2015. Collection method: clinical testing. Allele origin: unknown.

Ambry Genetics
Classification: Likely benign for Cardiovascular phenotype. Last evaluated: 2020-09-05. Review status: criteria provided, single submitter. Criteria: Ambry Variant Classification Scheme 2023. Collection method: clinical testing. Allele origin: germline.

GeneDx
Classification: Benign. Last evaluated: 2020-02-05. Review status: criteria provided, single submitter. Criteria: GeneDx Variant Classification Process June 2021. Collection method: clinical testing. Allele origin: germline. Affected: yes.
Comment: In silico analysis, which includes splice predictors and evolutionary conservation, suggests this variant may impact gene splicing. In the absence of RNA/functional studies, the actual effect of this sequence change is unknown.; Has not been previously published as pathogenic or benign to our knowledge; Reported in ClinVar but additional evidence is not available (ClinVar Variant ID# 472071; Landrum et al., 2016)

Breakthrough Genomics
Classification: Benign. Review status: criteria provided, single submitter. Criteria: ACMG Guidelines, 2015. Collection method: not provided. Allele origin: germline. Inheritance: Autosomal dominant inheritance. Affected: yes.

PreventionGenetics, part of Exact Sciences
Classification: Likely benign for FLNC-related condition. Last evaluated: 2019-05-20. Review status: no assertion criteria provided. Collection method: clinical testing. Allele origin: germline. Not counted in ClinVar's aggregate classification.
Comment: This variant is classified as likely benign based on ACMG/AMP sequence variant interpretation guidelines (Richards et al. 2015 PMID: 25741868, with internal and published modifications).

Clinical Genetics DNA and cytogenetics Diagnostics Lab, Erasmus MC, Erasmus Medical Center
Classification: Likely benign. Review status: no assertion criteria provided. Collection method: clinical testing. Allele origin: germline. Affected: yes. Study: VKGL Data-share Consensus. Not counted in ClinVar's aggregate classification.

Genome Diagnostics Laboratory, University Medical Center Utrecht
Classification: Likely benign. Review status: no assertion criteria provided. Collection method: clinical testing. Allele origin: germline. Affected: yes. Study: VKGL Data-share Consensus. Not counted in ClinVar's aggregate classification.